The following is an entry in ClinVar:

NM_003504.5(CDC45):c.752G>A (p.Arg251His)

Gene: CDC45 (cell division cycle 45; plus strand). Cytogenetic location: 22q11.21.
Variant type: single nucleotide variant.
Coding change: c.752G>A on transcript NM_003504.5 (MANE Select); coding-DNA position 752, G replaced by A.
Protein change: p.Arg251His; replaces arginine 251 with histidine.
Molecular consequence: missense variant. On other transcripts: non-coding transcript variant (1).
Genome position (GRCh38, 1-based): chr22:19,505,409, G>A. VCF-style: chr22-19505409-G-A. GRCh37 (hg19) VCF-style: chr22-19492932-G-A.
Other names: c.848G>A, p.Arg283His (NM_001178010.2); c.614G>A, p.Arg205His (NM_001178011.2); c.716G>A, p.Arg239His (NM_001369291.1); c.848G>A (NM_001178010.1); short protein forms R283H, R205H, R239H, R251H.
Identifiers: ClinVar variation 1043696 (VCV001043696.8), dbSNP rs372832702, ClinGen allele CA10101222.
Genomic context (GRCh38, chr22:19,505,409, plus strand): 5'-CTTTTTTTTCCAGAATGAAATACGTGACTGATGTTGGTGTCCTGCAGCGCCACGTTTCCC[G>A]CCACAACCACCGGAACGAGGATGAGGAGAACACACTCTCCGTGGACTGCACACGGATCTC-3'
Protein context (NP_003495.1, residues 241-261): DVGVLQRHVS[Arg251His]HNHRNEDEEN

ClinVar aggregate classification (germline): Uncertain significance. Review status: criteria provided, multiple submitters, no conflicts (2 of 4 stars). 2 submissions from 2 submitters: Uncertain significance (2). Last evaluated 2025-08-31.

Conditions:
Inborn genetic diseases. Identifiers: MedGen C0950123, MeSH D030342.

Allele frequency attached by ClinVar (database versions not stated): gnomAD 0.00001; ExAC 0.00002; gnomAD exomes 0.00002; TOPMed 0.00003; ESP Exome Variant Server 0.00008.
gnomAD v4.1: 22 of 1,613,946 alleles (0.0014%); highest among the groups gnomAD compares: African/African-American, 0.0067%; no homozygotes.

Submissions (2):

Ambry Genetics
Classification: Uncertain significance for Inborn genetic diseases. Last evaluated: 2025-08-31. Review status: criteria provided, single submitter. Criteria: Ambry Variant Classification Scheme 2023. Collection method: clinical testing. Allele origin: germline.

Labcorp Genetics (formerly Invitae), Labcorp
Classification: Uncertain significance. Last evaluated: 2020-04-12. Review status: criteria provided, single submitter. Criteria: Invitae Variant Classification Sherloc (09022015). Collection method: clinical testing. Allele origin: germline.
Comment: Algorithms developed to predict the effect of missense changes on protein structure and function are either unavailable or do not agree on the potential impact of this missense change (SIFT: "Deleterious"; PolyPhen-2: "Probably Damaging"; Align-GVGD: "Class C0"). This sequence change replaces arginine with histidine at codon 283 of the CDC45 protein (p.Arg283His). The arginine residue is highly conserved and there is a small physicochemical difference between arginine and histidine. This variant is present in population databases (rs372832702, ExAC 0.01%). This variant has not been reported in the literature in individuals with CDC45-related conditions. In summary, the available evidence is currently insufficient to determine the role of this variant in disease. Therefore, it has been classified as a Variant of Uncertain Significance.